The following is an entry in ClinVar:

ClinVar aggregate classification (germline): Uncertain significance. Review status: criteria provided, multiple submitters, no conflicts (2 of 4 stars). 2 submissions from 2 submitters: Uncertain significance (2). Last evaluated 2025-08-25.

Conditions:
Shwachman-Diamond syndrome 1 (SDS1). Also called: LIPOMATOSIS OF PANCREAS, CONGENITAL. Identifiers: MedGen C4692625, MONDO:0044204, OMIM 260400.
Inborn genetic diseases. Identifiers: MedGen C0950123, MeSH D030342.

Allele frequency attached by ClinVar (database versions not stated): gnomAD exomes below 0.00001; ExAC 0.00001.
gnomAD v4.1: 2 of 1,614,012 alleles (0.00012%); highest among the groups gnomAD compares: East Asian, 0.0022%; no homozygotes.

Submissions (2):

Ambry Genetics
Classification: Uncertain significance for Inborn genetic diseases. Last evaluated: 2025-08-25. Review status: criteria provided, single submitter. Criteria: Ambry Variant Classification Scheme 2023. Collection method: clinical testing. Allele origin: germline.
Comment: The p.N181D variant (also known as c.541A>G), located in coding exon 4 of the SBDS gene, results from an A to G substitution at nucleotide position 541. The asparagine at codon 181 is replaced by aspartic acid, an amino acid with highly similar properties. This amino acid position is conserved. In addition, this alteration is predicted to be tolerated by in silico analysis. Based on the available evidence, the clinical significance of this variant remains unclear.

Baylor Genetics
Classification: Uncertain significance for Shwachman-Diamond syndrome 1. Last evaluated: 2021-02-12. Review status: criteria provided, single submitter. Criteria: ACMG Guidelines, 2015. Collection method: clinical testing. Allele origin: unknown.

NM_016038.4(SBDS):c.541A>G (p.Asn181Asp)

Gene: SBDS (SBDS ribosome maturation factor; minus strand). Cytogenetic location: 7q11.21.
Variant type: single nucleotide variant.
Coding change: c.541A>G on transcript NM_016038.4 (MANE Select); coding-DNA position 541, A replaced by G.
Protein change: p.Asn181Asp; replaces asparagine 181 with aspartic acid.
Molecular consequence: missense variant.
Genome position (GRCh38, 1-based): chr7:66,991,220, T>C on the plus strand (A>G on the coding strand, the complement: SBDS is on the minus strand). VCF-style: chr7-66991220-T-C. GRCh37 (hg19) VCF-style: chr7-66456207-T-C.
Other names: short protein forms N181D.
Identifiers: ClinVar variation 2441911 (VCV002441911.3), dbSNP rs745485178, ClinGen allele CA4279140.